The following is an entry in ClinVar:

ClinVar aggregate classification (germline): Uncertain significance. Review status: criteria provided, multiple submitters, no conflicts (2 of 4 stars). 2 submissions from 2 submitters: Uncertain significance (2). Last evaluated 2023-10-30.

Conditions:
Hereditary spastic paraplegia 4. Also called: Spastic Paraplegia 4; Spastic paraplegia 4, autosomal dominant; Familial spastic paraplegia autosomal dominant 2. Identifiers: Orphanet 100985, MedGen C1866855, MONDO:0008438, OMIM 182601.

gnomAD v4.1: 6 of 1,612,036 alleles (0.00037%); highest among the groups gnomAD compares: Non-Finnish European, 0.00034%; no homozygotes.

Submissions (2):

Labcorp Genetics (formerly Invitae), Labcorp
Classification: Uncertain significance for Hereditary spastic paraplegia 4. Last evaluated: 2023-10-30. Review status: criteria provided, single submitter. Criteria: Invitae Variant Classification Sherloc (09022015). Collection method: clinical testing. Allele origin: germline.
Comment: This sequence change replaces phenylalanine, which is neutral and non-polar, with cysteine, which is neutral and slightly polar, at codon 317 of the SPAST protein (p.Phe317Cys). This variant is not present in population databases (gnomAD no frequency). This variant has not been reported in the literature in individuals affected with SPAST-related conditions. ClinVar contains an entry for this variant (Variation ID: 1208438). Advanced modeling of protein sequence and biophysical properties (such as structural, functional, and spatial information, amino acid conservation, physicochemical variation, residue mobility, and thermodynamic stability) performed at Invitae indicates that this missense variant is not expected to disrupt SPAST protein function with a negative predictive value of 80%. In summary, the available evidence is currently insufficient to determine the role of this variant in disease. Therefore, it has been classified as a Variant of Uncertain Significance.

GeneDx
Classification: Uncertain significance. Last evaluated: 2020-10-21. Review status: criteria provided, single submitter. Criteria: GeneDx Variant Classification Process June 2021. Collection method: clinical testing. Allele origin: germline. Affected: yes.
Comment: Not observed in large population cohorts (Lek et al., 2016); In silico analysis, which includes protein predictors and evolutionary conservation, supports that this variant does not alter protein structure/function; Has not been previously published as pathogenic or benign to our knowledge

NM_014946.4(SPAST):c.950T>G (p.Phe317Cys)

Gene: SPAST (spastin; plus strand). Cytogenetic location: 2p22.3.
Variant type: single nucleotide variant.
Coding change: c.950T>G on transcript NM_014946.4 (MANE Select); coding-DNA position 950, T replaced by G.
Protein change: p.Phe317Cys; replaces phenylalanine 317 with cysteine.
Molecular consequence: missense variant.
Genome position (GRCh38, 1-based): chr2:32,115,781, T>G. VCF-style: chr2-32115781-T-G. GRCh37 (hg19) VCF-style: chr2-32340850-T-G.
Other names: c.947T>G, p.Phe316Cys (NM_001363823.2); c.851T>G, p.Phe284Cys (NM_001363875.2); c.854T>G, p.Phe285Cys (NM_001377959.1, NM_199436.2); short protein forms F284C, F285C, F316C, F317C.
Identifiers: ClinVar variation 1208438 (VCV001208438.11), dbSNP rs759832933, ClinGen allele CA346499246.